The following is an entry in ClinVar:

ClinVar aggregate classification (germline): Conflicting classifications of pathogenicity. Review status: criteria provided, conflicting classifications (1 of 4 stars). 2 submissions from 2 submitters: Uncertain significance (1); Benign (1). Last evaluated 2025-08-31.

Conditions:
Cardiovascular phenotype. Identifiers: MedGen CN230736.
Noonan syndrome 9 (NS9). Identifiers: Orphanet 648, MedGen C4225282, MONDO:0014691, OMIM 616559.

Allele frequency attached by ClinVar (database versions not stated): gnomAD exomes below 0.00001 and 0.00001; ExAC 0.00002; gnomAD 0.00003 and 0.00004.
gnomAD v4.1: 11 of 1,558,252 alleles (0.00071%); highest among the groups gnomAD compares: African/African-American, 0.013%; no homozygotes.

Submissions (2):

Ambry Genetics
Classification: Uncertain significance for Cardiovascular phenotype. Last evaluated: 2025-08-31. Review status: criteria provided, single submitter. Criteria: Ambry Variant Classification Scheme 2023. Collection method: clinical testing. Allele origin: germline.
Comment: The p.V1185L variant (also known as c.3553G>T), located in coding exon 23 of the SOS2 gene, results from a G to T substitution at nucleotide position 3553. The valine at codon 1185 is replaced by leucine, an amino acid with highly similar properties. This amino acid position is conserved. In addition, this alteration is predicted to be tolerated by in silico analysis. Since supporting evidence is limited at this time, the clinical significance of this alteration remains unclear.

Labcorp Genetics (formerly Invitae), Labcorp
Classification: Benign for Noonan syndrome 9. Last evaluated: 2023-12-14. Review status: criteria provided, single submitter. Criteria: Invitae Variant Classification Sherloc (09022015). Collection method: clinical testing. Allele origin: germline.

NM_006939.4(SOS2):c.3553G>T (p.Val1185Leu)

Gene: SOS2 (SOS Ras/Rho guanine nucleotide exchange factor 2; minus strand). Cytogenetic location: 14q21.3.
Variant type: single nucleotide variant.
Coding change: c.3553G>T on transcript NM_006939.4 (MANE Select); coding-DNA position 3553, G replaced by T.
Protein change: p.Val1185Leu; replaces valine 1185 with leucine.
Molecular consequence: missense variant.
Genome position (GRCh38, 1-based): chr14:50,118,790, C>A on the plus strand (G>T on the coding strand, the complement: SOS2 is on the minus strand). VCF-style: chr14-50118790-C-A. GRCh37 (hg19) VCF-style: chr14-50585508-C-A.
Other names: short protein forms V1185L.
Identifiers: ClinVar variation 949607 (VCV000949607.11), dbSNP rs778368766, ClinGen allele CA7176751.